The following is an entry in ClinVar:

ClinVar aggregate classification (germline): Uncertain significance. Review status: criteria provided, single submitter (1 of 4 stars). 2 submissions from 2 submitters: Uncertain significance (1). 1 of the submissions does not count toward it. Last evaluated 2026-08-03.

Conditions:
Leukodystrophy, childhood-onset, remitting (CORLK). Identifiers: MedGen C5676979, MONDO:0859246, OMIM 619864.

gnomAD v4.1: 329 of 1,613,874 alleles (0.02%); highest among the groups gnomAD compares: South Asian, 0.34%; no homozygotes.

Submissions (2):

Genelabs Medical  (pvt) Ltd
Classification: Uncertain significance for Leukodystrophy, childhood-onset, remitting. Last evaluated: 2026-08-03. Review status: criteria provided, single submitter. Criteria: ACMG Guidelines, 2015. Collection method: clinical testing. Allele origin: germline. Inheritance: Autosomal dominant inheritance. Affected: yes. Observed: 1 heterozygote.
Comment: The missense variant NM_003837.4(FBP2):c.764G>C (p.Arg255Pro) is rare in population databases, observed at a low frequency in South Asian populations (12/91,052 alleles; AF ≈ 0.003427 in gnomAD). In silico prediction tools suggest a deleterious effect on protein function, with a high REVEL score of 0.94, indicating potential impact on FBP2 activity. However, there are currently no published functional studies or convincing case-level evidence directly linking this variant to disease. Based on the available evidence, this variant is classified as a Variant of Uncertain Significance (VUS). (PP3_Strong, PM2_Supporting)

Hong-Tao Li Lab, Institute of Brain Science and Brain-inspired Research, Shandong First Medical University & Shandong Academy of Medical Sciences China
Classification: Uncertain significance for Leukodystrophy, childhood-onset, remitting. Review status: no assertion criteria provided. Collection method: research. Allele origin: germline. Inheritance: Autosomal dominant inheritance. Affected: yes. Observed: 1 variant allele, 1 heterozygote. Not counted in ClinVar's aggregate classification.
Comment: Observed in affected individuals from a Pakistani neurodevelopmental-disorder research cohort of 263 individuals. Classification assigned using the ACMG/AMP framework. Population-frequency evidence: gnomAD AF 0.0003622.

NM_003837.4(FBP2):c.764G>C (p.Arg255Pro)

Genes: FBP2 (fructose-bisphosphatase 2; minus strand), PCAT7 (prostate cancer associated transcript 7; plus strand). Cytogenetic location: 9q22.32.
Variant type: single nucleotide variant.
Coding change: c.764G>C on transcript NM_003837.4 (MANE Select); coding-DNA position 764, G replaced by C.
Protein change: p.Arg255Pro; replaces arginine 255 with proline.
Molecular consequence: missense variant.
Genome position (GRCh38, 1-based): chr9:94,563,403, C>G on the plus strand (G>C on the coding strand, the complement: FBP2 is on the minus strand). VCF-style: chr9-94563403-C-G. GRCh37 (hg19) VCF-style: chr9-97325685-C-G.
Other names: short protein forms R255P.
Identifiers: ClinVar variation 4884782 (VCV004884782.2).